The following is an entry in ClinVar:

NM_001378418.1(TCF20):c.67G>A (p.Gly23Ser)

Gene: TCF20 (transcription factor 20; minus strand). Cytogenetic location: 22q13.2.
Variant type: single nucleotide variant.
Coding change: c.67G>A on transcript NM_001378418.1 (MANE Select); coding-DNA position 67, G replaced by A.
Protein change: p.Gly23Ser; replaces glycine 23 with serine.
Molecular consequence: missense variant.
Genome position (GRCh38, 1-based): chr22:42,215,239, C>T on the plus strand (G>A on the coding strand, the complement: TCF20 is on the minus strand). VCF-style: chr22-42215239-C-T. GRCh37 (hg19) VCF-style: chr22-42611245-C-T.
Other names: c.67G>A, p.Gly23Ser (NM_005650.4, NM_181492.3); short protein forms G23S.
Identifiers: ClinVar variation 2801735 (VCV002801735.3), dbSNP rs1415825358, ClinGen allele CA411793788.

ClinVar aggregate classification (germline): Uncertain significance (1 of 4 stars; one submission).

Allele frequency attached by ClinVar (database versions not stated): gnomAD exomes below 0.00001; gnomAD 0.00001; TOPMed 0.00001.
gnomAD v4.1: 6 of 1,614,066 alleles (0.00037%); highest among the groups gnomAD compares: South Asian, 0.0011%; no homozygotes.

Submission:

Labcorp Genetics (formerly Invitae), Labcorp
Classification: Uncertain significance. Last evaluated: 2023-05-21. Review status: criteria provided, single submitter. Criteria: Invitae Variant Classification Sherloc (09022015). Collection method: clinical testing. Allele origin: germline.
Comment: This sequence change replaces glycine, which is neutral and non-polar, with serine, which is neutral and polar, at codon 23 of the TCF20 protein (p.Gly23Ser). In summary, the available evidence is currently insufficient to determine the role of this variant in disease. Therefore, it has been classified as a Variant of Uncertain Significance. Algorithms developed to predict the effect of missense changes on protein structure and function output the following: SIFT: "Not Available"; PolyPhen-2: "Benign"; Align-GVGD: "Not Available". The serine amino acid residue is found in multiple mammalian species, which suggests that this missense change does not adversely affect protein function. This variant has not been reported in the literature in individuals affected with TCF20-related conditions. This variant is present in population databases (no rsID available, gnomAD 0.0009%).